The following is an entry in ClinVar:

ClinVar aggregate classification (germline): Uncertain significance. Review status: criteria provided, multiple submitters, no conflicts (2 of 4 stars). 2 submissions from 2 submitters: Uncertain significance (2). Last evaluated 2024-05-18.

Conditions:
Muscle AMP deaminase deficiency (MMDD). Also called: Myoadenylate deaminase deficiency, myopathy due to; Adenosine monophosphate deaminase 1 deficiency; AMP deaminase 1 deficiency; Adenosine Monophosphate Deaminase 1; AMPD1 DEFICIENCY; ADENOSINE MONOPHOSPHATE DEAMINASE-1 DEFICIENCY, MYOPATHY DUE TO. Identifiers: Orphanet 45, MedGen C3714933, MONDO:0014220, OMIM 615511.

Allele frequency attached by ClinVar (database versions not stated): ExAC 0.00001; gnomAD 0.00001; gnomAD exomes 0.00001; TOPMed 0.00001; 1000 Genomes Project 30x 0.00016; 1000 Genomes Project 0.00020.
gnomAD v4.1: 4 of 1,614,124 alleles (0.00025%); highest among the groups gnomAD compares: Admixed American, 0.0067%; no homozygotes.

Submissions (2):

Labcorp Genetics (formerly Invitae), Labcorp
Classification: Uncertain significance for Muscle AMP deaminase deficiency. Last evaluated: 2024-05-18. Review status: criteria provided, single submitter. Criteria: Invitae Variant Classification Sherloc (09022015). Collection method: clinical testing. Allele origin: germline.
Comment: This sequence change replaces isoleucine, which is neutral and non-polar, with asparagine, which is neutral and polar, at codon 677 of the AMPD1 protein (p.Ile677Asn). This variant is present in population databases (rs182610890, gnomAD 0.01%). This variant has not been reported in the literature in individuals affected with AMPD1-related conditions. ClinVar contains an entry for this variant (Variation ID: 2439024). An algorithm developed to predict the effect of missense changes on protein structure and function (PolyPhen-2) suggests that this variant is likely to be disruptive. In summary, the available evidence is currently insufficient to determine the role of this variant in disease. Therefore, it has been classified as a Variant of Uncertain Significance.

Revvity Omics, Revvity
Classification: Uncertain significance for Muscle AMP deaminase deficiency. Last evaluated: 2019-02-22. Review status: criteria provided, single submitter. Criteria: ACMG Guidelines, 2015. Collection method: clinical testing. Allele origin: germline.

NM_000036.3(AMPD1):c.1931T>A (p.Ile644Asn)

Gene: AMPD1 (adenosine monophosphate deaminase 1; minus strand). Cytogenetic location: 1p13.2.
Variant type: single nucleotide variant.
Coding change: c.1931T>A on transcript NM_000036.3 (MANE Select); coding-DNA position 1931, T replaced by A.
Protein change: p.Ile644Asn; replaces isoleucine 644 with asparagine.
Molecular consequence: missense variant.
Genome position (GRCh38, 1-based): chr1:114,673,952, A>T on the plus strand (T>A on the coding strand, the complement: AMPD1 is on the minus strand). VCF-style: chr1-114673952-A-T. GRCh37 (hg19) VCF-style: chr1-115216573-A-T.
Other names: c.1919T>A, p.Ile640Asn (NM_001172626.2); short protein forms I640N, I644N.
Identifiers: ClinVar variation 2439024 (VCV002439024.5), dbSNP rs182610890, ClinGen allele CA1019982.